The following is an entry in ClinVar:

NM_001172303.3(MASTL):c.*29T>C

Genes: ACBD5 (acyl-CoA binding domain containing 5; minus strand), MASTL (microtubule associated serine/threonine kinase like; plus strand). Cytogenetic location: 10p12.1.
Variant type: single nucleotide variant.
Coding change: c.*29T>C on transcript NM_001172303.3 (MANE Select); 29 bases downstream of the stop codon, T replaced by C.
Molecular consequence: 3 prime UTR variant. On other transcripts: non-coding transcript variant (1), intron variant (1).
Genome position (GRCh38, 1-based): chr10:27,186,565, T>C. VCF-style: chr10-27186565-T-C. GRCh37 (hg19) VCF-style: chr10-27475494-T-C.
Other names: c.*29T>C (NM_032844.5, NM_001172304.3, NM_001320756.2 and 3 more transcripts); c.1566-2250A>G (NM_001352570.1).
Identifiers: ClinVar variation 262110 (VCV000262110.12), dbSNP rs10764686, ClinGen allele CA5450492.

ClinVar aggregate classification (germline): Benign. Review status: criteria provided, multiple submitters, no conflicts (2 of 4 stars). 4 submissions from 4 submitters: Benign (4). Last evaluated 2021-06-19.

Conditions:
Thrombocytopenia. Identifiers: MedGen C0040034, MeSH D013921, MONDO:0002049, HP:0001873.

Allele frequency attached by ClinVar (database versions not stated): gnomAD 0.49921 and 0.49803; gnomAD exomes 0.61119 and 0.56313; ExAC 0.55877; 1000 Genomes Project 30x 0.39850; 1000 Genomes Project 0.39996; TOPMed 0.47811; ESP Exome Variant Server 0.50092.
gnomAD v4.1: 944,875 of 1,576,432 alleles (60%); highest among the groups gnomAD compares: Non-Finnish European, 64%; 293,073 homozygotes.

Submissions (4):

GeneDx
Classification: Benign. Last evaluated: 2021-06-19. Review status: criteria provided, single submitter. Criteria: GeneDx Variant Classification Process June 2021. Collection method: clinical testing. Allele origin: germline. Affected: yes.

Illumina Laboratory Services, Illumina
Classification: Benign for Thrombocytopenia. Last evaluated: 2018-01-12. Review status: criteria provided, single submitter. Criteria: ICSL Variant Classification Criteria 13 December 2019. Collection method: clinical testing. Allele origin: germline.
Comment: This variant was observed in the ICSL laboratory as part of a predisposition screen in an ostensibly healthy population. It had not been previously curated by ICSL or reported in the Human Gene Mutation Database (HGMD: prior to June 1st, 2018), and was therefore a candidate for classification through an automated scoring system. Utilizing variant allele frequency, disease prevalence and penetrance estimates, and inheritance mode, an automated score was calculated to assess if this variant is too frequent to cause the disease. Based on the score and internal cut-off values, a variant classified as benign is not then subjected to further curation. The score for this variant resulted in a classification of benign for this disease.

Breakthrough Genomics
Classification: Benign. Review status: criteria provided, single submitter. Criteria: ACMG Guidelines, 2015. Collection method: not provided. Allele origin: germline. Inheritance: Unknown mechanism. Affected: yes.

PreventionGenetics, part of Exact Sciences
Classification: Benign. Review status: criteria provided, single submitter. Criteria: ACMG Guidelines, 2015. Collection method: clinical testing. Allele origin: germline.